The following is an entry in ClinVar:

ClinVar aggregate classification (germline): Likely pathogenic (0 of 4 stars; one submission).

Conditions:
Congenital myasthenic syndrome 18. Also called: MYASTHENIC SYNDROME, CONGENITAL, 18, WITH INTELLECTUAL DISABILITY AND ATAXIA. Identifiers: Orphanet 590, MedGen C4225364, MONDO:0014590, OMIM 616330.

Submission:

Solve-RD Consortium
Classification: Likely pathogenic for Congenital myasthenic syndrome 18. Last evaluated: 2024-06-01. Review status: no assertion criteria provided. Collection method: provider interpretation. Allele origin: de novo. Affected: yes.
Comment: This CNV was confirmed by the submitting clinician to impact a gene that corresponds with the phenotype of the affected individual, and thus deemed to be causative for their condition.

Literature cited by the submitters: PubMed 39825153.

GRCh37/hg19 20p12.3-12.1(chr20:5454270-13610745)x1

Genes: ANKEF1 (ankyrin repeat and EF-hand domain containing 1; plus strand), BMP2 (bone morphogenetic protein 2; plus strand), BTBD3 (BTB domain containing 3; plus strand), CHGB (chromogranin B; plus strand), CRLS1 (cardiolipin synthase 1; plus strand) and 19 more. Cytogenetic location: 20p12.3-12.1.
Variant type: copy number loss.
Change: copy number 1 (one copy instead of two) of chr20:5,454,270-13,610,745 (8.16 Mb, GRCh37 coordinates, 1-based), cytogenetic band 20p12.3-12.1.
Identifiers: ClinVar variation 3338444 (VCV003338444.1).